The following is an entry in ClinVar:

NM_001372051.1(CASP8):c.397C>G (p.Leu133Val)

Gene: CASP8 (caspase 8; plus strand). Cytogenetic location: 2q33.1.
Variant type: single nucleotide variant.
Coding change: c.397C>G on transcript NM_001372051.1 (MANE Select); coding-DNA position 397, C replaced by G.
Protein change: p.Leu133Val; replaces leucine 133 with valine.
Molecular consequence: missense variant. On other transcripts: 5 prime UTR variant (11), non-coding transcript variant (19).
Genome position (GRCh38, 1-based): chr2:201,271,607, C>G. VCF-style: chr2-201271607-C-G. GRCh37 (hg19) VCF-style: chr2-202136330-C-G.
Other names: c.397C>G, p.Leu133Val (NM_001080124.2, NM_001400645.1, NM_001400648.1 and 20 more transcripts); c.574C>G, p.Leu192Val (NM_001080125.2, NM_001400642.1, NM_001400665.1); c.493C>G, p.Leu165Val (NM_001228.5); c.88C>G, p.Leu30Val (NM_001400669.1); c.-136C>G (NM_001400671.1, NM_001400672.1, NM_001400673.1 and 6 more transcripts); c.-317C>G (NM_001400674.1); c.-215C>G (NM_001400680.1); short protein forms L192V, L133V, L165V, L30V.
Identifiers: ClinVar variation 666039 (VCV000666039.9), dbSNP rs1576325415, ClinGen allele CA350287582.
Genomic context (GRCh38, chr2:201,271,607, plus strand): 5'-AGCAGATCAGAATTGAGGTCTTTTAAGTTTCTTTTGCAAGAGGAAATCTCCAAATGCAAA[C>G]TGGATGATGACATGGTAAGACCTGGTATCTTACTGAGATTTAGTCCTGAGACTTGGTTAG-3'
Protein context (NP_001358980.1, residues 123-143): LLQEEISKCK[Leu133Val]DDDMNLLDIF

ClinVar aggregate classification (germline): Uncertain significance (1 of 4 stars; one submission).

Conditions:
Autoimmune lymphoproliferative syndrome type 2B. Also called: AUTOIMMUNE LYMPHOPROLIFERATIVE SYNDROME, TYPE IIB. Identifiers: Orphanet 275517, MedGen C1846545, MONDO:0011804, OMIM 607271.

Submission:

Labcorp Genetics (formerly Invitae), Labcorp
Classification: Uncertain significance for Autoimmune lymphoproliferative syndrome type 2B. Last evaluated: 2018-11-05. Review status: criteria provided, single submitter. Criteria: Invitae Variant Classification Sherloc (09022015). Collection method: clinical testing. Allele origin: germline.
Comment: In summary, the available evidence is currently insufficient to determine the role of this variant in disease. Therefore, it has been classified as a Variant of Uncertain Significance. Algorithms developed to predict the effect of missense changes on protein structure and function output the following: SIFT: "Tolerated"; PolyPhen-2: "Benign"; Align-GVGD: "Class C0". The valine amino acid residue is found in multiple mammalian species, suggesting that this missense change does not adversely affect protein function. These predictions have not been confirmed by published functional studies and their clinical significance is uncertain. This variant has not been reported in the literature in individuals with CASP8-related disease. This variant is not present in population databases (ExAC no frequency). This sequence change replaces leucine with valine at codon 165 of the CASP8 protein (p.Leu165Val). The leucine residue is moderately conserved and there is a small physicochemical difference between leucine and valine.